The following is an entry in ClinVar:

ClinVar aggregate classification (germline): Conflicting classifications of pathogenicity. Review status: criteria provided, conflicting classifications (1 of 4 stars). 7 submissions from 7 submitters: Uncertain significance (4); Likely benign (3). Last evaluated 2026-04-14.

Conditions:
ACTN2-related disorder. Also called: ACTN2 related condition; ACTN2-related disorders.
Cardiovascular phenotype. Identifiers: MedGen CN230736.
Primary familial hypertrophic cardiomyopathy (HCM). Identifiers: Orphanet 99739, MedGen C0949658, MeSH D024741, MONDO:0024573. Inheritance: Various modes of inheritance.
Dilated cardiomyopathy 1AA (CMD1AA). Also called: CARDIOMYOPATHY, DILATED, 1AA, WITH OR WITHOUT LEFT VENTRICULAR NONCOMPACTION; CARDIOMYOPATHY, FAMILIAL HYPERTROPHIC, 23, WITH OR WITHOUT LEFT VENTRICULAR NONCOMPACTION; Cardiomyopathy, dilated, 1AA, with or without LVNC. Identifiers: Orphanet 154, MedGen C2677338, MONDO:0012808, OMIM 612158.
Cardiomyopathy (CMYO). Also called: Cardiomyopathies. Identifiers: Orphanet 167848, MedGen C0878544, MONDO:0004994, HP:0001638. Inheritance: Various modes of inheritance.

Allele frequency attached by ClinVar (database versions not stated): gnomAD 0.00003 and 0.00004; TOPMed 0.00004; gnomAD exomes 0.00006 and 0.00007; ExAC 0.00007; ESP Exome Variant Server 0.00008.
gnomAD v4.1: 111 of 1,613,950 alleles (0.0069%); highest among the groups gnomAD compares: East Asian, 0.029%; no homozygotes.

Submissions (7):

PreventionGenetics, part of Exact Sciences
Classification: Likely benign for ACTN2-related condition. Last evaluated: 2026-04-14. Review status: criteria provided, single submitter. Criteria: ACMG Guidelines, 2015. Collection method: clinical testing. Allele origin: germline.
Comment: This variant is classified as likely benign based on ACMG/AMP sequence variant interpretation guidelines (Richards et al. 2015 PMID: 25741868, with internal and published modifications).

Labcorp Genetics (formerly Invitae), Labcorp
Classification: Uncertain significance for Primary familial hypertrophic cardiomyopathy; Dilated cardiomyopathy 1AA. Last evaluated: 2026-01-19. Review status: criteria provided, single submitter. Criteria: Invitae Variant Classification Sherloc (09022015). Collection method: clinical testing. Allele origin: germline.
Comment: This sequence change affects codon 369 of the ACTN2 mRNA. It is a 'silent' change, meaning that it does not change the encoded amino acid sequence of the ACTN2 protein. This variant also falls at the last nucleotide of exon 10, which is part of the consensus splice site for this exon. This variant is present in population databases (rs369218950, gnomAD 0.03%). This variant has been observed in individual(s) with clinical features of ACTN2-related conditions (internal data). ClinVar contains an entry for this variant (Variation ID: 463187). Variants that disrupt the consensus splice site are a relatively common cause of aberrant splicing (PMID: 17576681, 9536098). Algorithms developed to predict the effect of sequence changes on RNA splicing suggest that this variant is not likely to affect RNA splicing. In summary, the available evidence is currently insufficient to determine the role of this variant in disease. Therefore, it has been classified as a Variant of Uncertain Significance.

Ambry Genetics
Classification: Uncertain significance for Cardiovascular phenotype. Last evaluated: 2025-12-01. Review status: criteria provided, single submitter. Criteria: Ambry Variant Classification Scheme 2023. Collection method: clinical testing. Allele origin: germline.
Comment: The c.1107G>A variant (also known as p.S369S), located in coding exon 10 of the ACTN2 gene, results from a G to A substitution at nucleotide position 1107. This nucleotide substitution does not change the amino acid at codon 369. However, this change occurs in the last base pair of coding exon 10, which makes it likely to have some effect on normal mRNA splicing. This nucleotide position is not well conserved in available vertebrate species. In silico splice site analysis predicts that this alteration will not have any significant effect on splicing. Based on the available evidence, the clinical significance of this variant remains unclear.

Blueprint Genetics
Classification: Likely benign. Last evaluated: 2023-03-31. Review status: criteria provided, single submitter. Criteria: ACMG Guidelines, 2015. Collection method: clinical testing. Allele origin: germline.

GeneDx
Classification: Uncertain significance. Last evaluated: 2021-03-16. Review status: criteria provided, single submitter. Criteria: GeneDx Variant Classification Process June 2021. Collection method: clinical testing. Allele origin: germline. Affected: yes.
Comment: Has not been previously published as pathogenic or benign to our knowledge; Reported in ClinVar (ClinVar Variant ID# 463187; Landrum et al., 2016); Located in the last nucleotide position of the exon 10 and in-silico analysis, which includes splice predictors and evolutionary conservation, is inconclusive as to whether the variant alters gene splicing; in the absence of RNA/functional studies, the actual effect of this sequence change is unknown

CHEO Genetics Diagnostic Laboratory, Children's Hospital of Eastern Ontario
Classification: Likely benign for Cardiomyopathy. Last evaluated: 2019-04-18. Review status: criteria provided, single submitter. Criteria: ACMG Guidelines, 2015. Collection method: clinical testing. Allele origin: germline.

Illumina Laboratory Services, Illumina
Classification: Uncertain significance for Dilated cardiomyopathy 1AA. Last evaluated: 2018-01-13. Review status: criteria provided, single submitter. Criteria: ICSL Variant Classification Criteria 13 December 2019. Collection method: clinical testing. Allele origin: germline.

Literature cited by the submitters: PubMed 17576681 (cited by Labcorp Genetics (formerly Invitae), Labcorp); PubMed 9536098 (cited by Labcorp Genetics (formerly Invitae), Labcorp); PubMed 31506931 (cited by Ambry Genetics).

NM_001103.4(ACTN2):c.1107G>A (p.Ser369=)

Gene: ACTN2 (actinin alpha 2; plus strand). Cytogenetic location: 1q43.
Variant type: single nucleotide variant.
Coding change: c.1107G>A on transcript NM_001103.4 (MANE Select); coding-DNA position 1107, G replaced by A.
Protein change: p.Ser369=; no amino-acid change (serine 369 retained).
Molecular consequence: synonymous variant.
Genome position (GRCh38, 1-based): chr1:236,739,532, G>A. VCF-style: chr1-236739532-G-A. GRCh37 (hg19) VCF-style: chr1-236902832-G-A.
Other names: c.1107G>A, p.Ser369= (NM_001278343.2); c.483G>A, p.Ser161= (NM_001278344.2).
Identifiers: ClinVar variation 463187 (VCV000463187.23), dbSNP rs369218950, ClinGen allele CA1473041.
Genomic context (GRCh38, chr1:236,739,532, plus strand): 5'-GACCAAGCTGCGGATCAGCAACCGTCCTGCCTTCATGCCCTCCGAGGGCAAGATGGTGTC[G>A]GTGAGTAGCAAGCGCCAAGCCCTCCTGGCGCCACGGGAAGCCCTCCTTCTAGCCTAAAGG-3'
Protein context (NP_001094.1, residues 359-379): AFMPSEGKMV[Ser369=]DIAGAWQRLE